The following is an entry in ClinVar:

ClinVar aggregate classification (germline): Uncertain significance. Review status: criteria provided, multiple submitters, no conflicts (2 of 4 stars). 3 submissions from 3 submitters: Uncertain significance (3). Last evaluated 2025-06-23.

Conditions:
Hereditary cancer-predisposing syndrome. Also called: Hereditary neoplastic syndrome; Neoplastic Syndromes, Hereditary; Tumor predisposition; Hereditary Cancer Syndrome. Identifiers: Orphanet 140162, MedGen C0027672, MeSH D009386, MONDO:0015356.
Familial adenomatous polyposis 1 (FAP1). Also called: FAMILIAL ADENOMATOUS POLYPOSIS 1, ATTENUATED; POLYPOSIS, ADENOMATOUS INTESTINAL. Identifiers: MedGen C2713442, MONDO:0021056, OMIM 175100. Disease mechanism: loss of function.

Submissions (3):

Color Diagnostics, LLC DBA Color Health
Classification: Uncertain significance for Hereditary cancer-predisposing syndrome. Last evaluated: 2025-06-23. Review status: criteria provided, single submitter. Criteria: ACMG Guidelines, 2015. Collection method: clinical testing. Allele origin: germline.
Comment: This missense variant replaces serine with threonine at codon 2328 of the APC protein. Computational prediction suggests that this variant may not impact protein structure and function. To our knowledge, functional studies have not been reported for this variant. This variant has not been reported in individuals affected with APC-related disorders in the literature. This variant has not been identified in the general population by the Genome Aggregation Database (gnomAD). The available evidence is insufficient to determine the role of this variant in disease conclusively. Therefore, this variant is classified as a Variant of Uncertain Significance.

Institute for Biomarker Research, Medical Diagnostic Laboratories, L.L.C.
Classification: Uncertain significance for Hereditary cancer-predisposing syndrome. Last evaluated: 2024-06-17. Review status: criteria provided, single submitter. Criteria: ACMG Guidelines, 2015. Collection method: clinical testing. Allele origin: germline.

Labcorp Genetics (formerly Invitae), Labcorp
Classification: Uncertain significance for Familial adenomatous polyposis 1. Last evaluated: 2024-05-07. Review status: criteria provided, single submitter. Criteria: Invitae Variant Classification Sherloc (09022015). Collection method: clinical testing. Allele origin: germline.
Comment: This sequence change replaces serine, which is neutral and polar, with threonine, which is neutral and polar, at codon 2328 of the APC protein (p.Ser2328Thr). This variant is not present in population databases (gnomAD no frequency). This variant has not been reported in the literature in individuals affected with APC-related conditions. ClinVar contains an entry for this variant (Variation ID: 947173). Advanced modeling of protein sequence and biophysical properties (such as structural, functional, and spatial information, amino acid conservation, physicochemical variation, residue mobility, and thermodynamic stability) performed at Invitae indicates that this missense variant is not expected to disrupt APC protein function with a negative predictive value of 95%. In summary, the available evidence is currently insufficient to determine the role of this variant in disease. Therefore, it has been classified as a Variant of Uncertain Significance.

NM_000038.6(APC):c.6982T>A (p.Ser2328Thr)

Gene: APC (APC regulator of Wnt signaling pathway; plus strand). Cytogenetic location: 5q22.2.
Variant type: single nucleotide variant.
Coding change: c.6982T>A on transcript NM_000038.6 (MANE Select); coding-DNA position 6982, T replaced by A.
Protein change: p.Ser2328Thr; replaces serine 2328 with threonine.
Molecular consequence: missense variant.
Genome position (GRCh38, 1-based): chr5:112,842,576, T>A. VCF-style: chr5-112842576-T-A. GRCh37 (hg19) VCF-style: chr5-112178273-T-A.
Other names: c.6982T>A, p.Ser2328Thr (NM_001127510.3, NM_001354895.2); c.6928T>A, p.Ser2310Thr (NM_001127511.3); c.7036T>A, p.Ser2346Thr (NM_001354896.2); c.7012T>A, p.Ser2338Thr (NM_001354897.2); c.6907T>A, p.Ser2303Thr (NM_001354898.2); c.6898T>A, p.Ser2300Thr (NM_001354899.2); c.6859T>A, p.Ser2287Thr (NM_001354900.2); c.6805T>A, p.Ser2269Thr (NM_001354901.2); and 5 more; short protein forms S2227T, S2237T, S2310T, S2328T, S2338T, S2045T, S2269T, S2287T.
Identifiers: ClinVar variation 947173 (VCV000947173.11), dbSNP rs1766347472, ClinGen allele CA16036552.